The following is an entry in ClinVar:

NM_000070.3(CAPN3):c.734dup (p.Pro245_Ser246insTer)

Gene: CAPN3 (calpain 3; plus strand). Cytogenetic location: 15q15.1.
Variant type: Duplication.
Coding change: c.734dup on transcript NM_000070.3 (MANE Select); coding-DNA position 734, one base duplicated (C; older notation c.734dupC).
Protein change: p.Pro245_Ser246insTer.
Molecular consequence: frameshift variant.
Genome position (GRCh38, 1-based): chr15:42,389,029, C duplicated; the last of 2 consecutive C bases (chr15:42,389,028-42,389,029); duplicating either gives the same sequence. VCF-style (leftmost placement, unchanged base first): chr15-42389027-T-TC. GRCh37 (hg19) VCF-style: chr15-42681225-T-TC.
Other names: NM_173087.2:c.734dup; c.734dup, p.Pro245_Ser246insTer (NM_024344.2, NM_173087.2).
Identifiers: ClinVar variation 4684968 (VCV004684968.1).

ClinVar aggregate classification (germline): Pathogenic (3 of 4 stars; one submission).

Conditions:
Autosomal recessive limb-girdle muscular dystrophy. Identifiers: Orphanet 102015, MedGen C2931907, MONDO:0015152.

Submission:

ClinGen Limb Girdle Muscular Dystrophy Variant Curation Expert Panel, ClinGen
Classification: Pathogenic for Autosomal recessive limb-girdle muscular dystrophy. Last evaluated: 2025-11-17. Review status: reviewed by expert panel. Criteria: ClinGen LGMD VCEP ACMG Specifications CAPN3 V2.0.0. Collection method: curation. Allele origin: germline. Inheritance: Autosomal recessive inheritance.
Comment: The NM_000070.3: c.734dup p.(Ser246Ter) variant in CAPN3 is a nonsense variant that is expected to introduce a premature stop codon in exon 5 of 24, leading to nonsense mediated decay in a gene in which loss of function is an established mechanism of disease (PVS1). This variant has been reported in at least 9 patients with features consistent with LGMD (PMID: 38830343, 32994280, 28403181; LOVD CAPN3_000731), including in unconfirmed phase with a pathogenic variant in three patients (c.2120A>G (p.Asp707Gly), 0.5 pts, PMID: 38830343; c.2120A>G (p.Asp707Gly), 0.5 pts x2, PMID: 32994280, LOVD Individuals #00311294, #00311299) (PM3). At least one individual with this variant and a second presumed diagnostic CAPN3 allele displayed progressive limb girdle muscle weakness or had a clinical suspicion of LGMD and dystrophic changes on muscle biopsy (PMID: 28403181, LOVD Individuals #00305779, #00305782) (PP4). This variant is absent from gnomAD v.4.1.0, meeting the criteria for PM2_Supporting. In summary, this variant meets the criteria to be classified as Pathogenic for autosomal recessive limb girdle muscular dystrophy based on the ACMG/AMP criteria applied, as specified by the ClinGen LGMD VCEP (LGMD VCEP specifications version 2.0.0; 11/17/2025): PVS1, PM3, PP4, PM2_Supporting.